The following is an entry in ClinVar:

ClinVar aggregate classification (germline): Uncertain significance (1 of 4 stars; one submission).

Conditions:
Charcot-Marie-Tooth disease type 2. Also called: Charcot-Marie-Tooth type 2. Identifiers: Orphanet 64746, MedGen C0270914, MONDO:0018993.

gnomAD v4.1: 2 of 1,613,966 alleles (0.00012%); highest among the groups gnomAD compares: East Asian, 0.0022%; no homozygotes.

Submission:

Labcorp Genetics (formerly Invitae), Labcorp
Classification: Uncertain significance for Charcot-Marie-Tooth disease type 2. Last evaluated: 2026-01-01. Review status: criteria provided, single submitter. Criteria: Invitae Variant Classification Sherloc (09022015). Collection method: clinical testing. Allele origin: germline.
Comment: This sequence change replaces arginine, which is basic and polar, with tryptophan, which is neutral and slightly polar, at codon 430 of the GARS protein (p.Arg430Trp). This variant is present in population databases (no rsID available, gnomAD 0.006%). This variant has not been reported in the literature in individuals affected with GARS-related conditions. Invitae Evidence Modeling of protein sequence and biophysical properties (such as structural, functional, and spatial information, amino acid conservation, physicochemical variation, residue mobility, and thermodynamic stability) indicates that this missense variant is expected to disrupt GARS protein function with a positive predictive value of 95%. In summary, the available evidence is currently insufficient to determine the role of this variant in disease. Therefore, it has been classified as a Variant of Uncertain Significance.

NM_002047.4(GARS1):c.1288C>T (p.Arg430Trp)

Gene: GARS1 (glycyl-tRNA synthetase 1; plus strand). Cytogenetic location: 7p14.3.
Variant type: single nucleotide variant.
Coding change: c.1288C>T on transcript NM_002047.4 (MANE Select); coding-DNA position 1288, C replaced by T.
Protein change: p.Arg430Trp; replaces arginine 430 with tryptophan.
Molecular consequence: missense variant.
Genome position (GRCh38, 1-based): chr7:30,617,207, C>T. VCF-style: chr7-30617207-C-T. GRCh37 (hg19) VCF-style: chr7-30656823-C-T.
Other names: c.1126C>T, p.Arg376Trp (NM_001316772.1); short protein forms R430W, R376W.
Identifiers: ClinVar variation 4765714 (VCV004765714.1).